The following is an entry in ClinVar:

NM_032242.4(PLXNA1):c.1263T>C (p.Ile421=)

Gene: PLXNA1 (plexin A1; plus strand). Cytogenetic location: 3q21.3.
Variant type: single nucleotide variant.
Coding change: c.1263T>C on transcript NM_032242.4 (MANE Select); coding-DNA position 1263, T replaced by C.
Protein change: p.Ile421=; no amino-acid change (isoleucine 421 retained).
Molecular consequence: synonymous variant.
Genome position (GRCh38, 1-based): chr3:126,991,452, T>C. VCF-style: chr3-126991452-T-C. GRCh37 (hg19) VCF-style: chr3-126710295-T-C.
Identifiers: ClinVar variation 3030015 (VCV003030015.2), dbSNP rs777800818, ClinGen allele CA2593170.

ClinVar aggregate classification (germline): Likely benign (0 of 4 stars; one submission).

Conditions:
PLXNA1-related disorder. Also called: PLXNA1-related condition.

Allele frequency attached by ClinVar (database versions not stated): gnomAD exomes below 0.00001; ExAC 0.00003; gnomAD 0.00005; TOPMed 0.00006.
gnomAD v4.1: 14 of 1,612,740 alleles (0.00087%); highest among the groups gnomAD compares: African/African-American, 0.016%; no homozygotes.

Submission:

PreventionGenetics, part of Exact Sciences
Classification: Likely benign for PLXNA1-related condition. Last evaluated: 2022-02-28. Review status: no assertion criteria provided. Collection method: clinical testing. Allele origin: germline.
Comment: This variant is classified as likely benign based on ACMG/AMP sequence variant interpretation guidelines (Richards et al. 2015 PMID: 25741868, with internal and published modifications).